The following is an entry in ClinVar:

NM_000387.6(SLC25A20):c.180del (p.Lys61fs)

Gene: SLC25A20 (solute carrier family 25 member 20; minus strand). Cytogenetic location: 3p21.31.
Variant type: Deletion.
Coding change: c.180del on transcript NM_000387.6 (MANE Select); coding-DNA position 180, one base deleted (G; older notation c.180delG).
Protein change: p.Lys61fs; shifts the reading frame from lysine 61.
Molecular consequence: frameshift variant.
Genome position (GRCh38, 1-based): chr3:48,891,998, C deleted on the plus strand (G on the coding strand, the reverse complement: SLC25A20 is on the minus strand); the first of 2 consecutive C bases (chr3:48,891,998-48,891,999); deleting either gives the same sequence. VCF-style (leftmost placement, unchanged base first): chr3-48891997-TC-T. GRCh37 (hg19) VCF-style: chr3-48929430-TC-T.
Other names: short protein forms K61fs.
Identifiers: ClinVar variation 2734533 (VCV002734533.3), dbSNP rs2470610340, ClinGen allele CA658760355.

ClinVar aggregate classification (germline): Pathogenic (1 of 4 stars; one submission).

Conditions:
Carnitine acylcarnitine translocase deficiency (CACTD). Identifiers: Orphanet 159, MedGen C0342791, MONDO:0008918, OMIM 212138.

Submission:

Labcorp Genetics (formerly Invitae), Labcorp
Classification: Pathogenic for Carnitine acylcarnitine translocase deficiency. Last evaluated: 2024-03-10. Review status: criteria provided, single submitter. Criteria: Invitae Variant Classification Sherloc (09022015). Collection method: clinical testing. Allele origin: germline.
Comment: This sequence change creates a premature translational stop signal (p.Lys61Argfs*68) in the SLC25A20 gene. It is expected to result in an absent or disrupted protein product. Loss-of-function variants in SLC25A20 are known to be pathogenic (PMID: 25614308). This variant is not present in population databases (gnomAD no frequency). This premature translational stop signal has been observed in individual(s) with carnitine–acylcarnitine translocase deficiency (PMID: 12559850). This variant is also known as c.179delG. For these reasons, this variant has been classified as Pathogenic.

Literature cited by the submitters: PubMed 25614308; PubMed 12559850.